The following is an entry in ClinVar:

NM_004168.4(SDHA):c.359G>A (p.Arg120Lys)

Gene: SDHA (succinate dehydrogenase complex flavoprotein subunit A; plus strand). Cytogenetic location: 5p15.33.
Variant type: single nucleotide variant.
Coding change: c.359G>A on transcript NM_004168.4 (MANE Select); coding-DNA position 359, G replaced by A.
Protein change: p.Arg120Lys; replaces arginine 120 with lysine.
Molecular consequence: missense variant. On other transcripts: intron variant (1).
Genome position (GRCh38, 1-based): chr5:225,465, G>A. VCF-style: chr5-225465-G-A. GRCh37 (hg19) VCF-style: chr5-225580-G-A.
Other names: c.359G>A, p.Arg120Lys (NM_001330758.2); c.313-418G>A (NM_001294332.2); short protein forms R120K.
Identifiers: ClinVar variation 1497839 (VCV001497839.8), dbSNP rs2126546923, ClinGen allele CA359009298.

ClinVar aggregate classification (germline): Uncertain significance (1 of 4 stars; one submission).

Conditions:
Mitochondrial complex II deficiency, nuclear type 1. Also called: SUCCINATE CoQ REDUCTASE DEFICIENCY. Identifiers: Orphanet 3208, MedGen C5700310, MONDO:0100294, OMIM 252011.
Pheochromocytoma/paraganglioma syndrome 5. Also called: Paragangliomas 5; SDHA-Related Hereditary Paraganglioma-Pheochromocytoma Syndrome. Identifiers: Orphanet 29072, MedGen C3279992, MONDO:0013602, OMIM 614165.

Submission:

Labcorp Genetics (formerly Invitae), Labcorp
Classification: Uncertain significance for Pheochromocytoma/paraganglioma syndrome 5; Mitochondrial complex II deficiency, nuclear type 1. Last evaluated: 2021-06-28. Review status: criteria provided, single submitter. Criteria: Invitae Variant Classification Sherloc (09022015). Collection method: clinical testing. Allele origin: germline.
Comment: In summary, the available evidence is currently insufficient to determine the role of this variant in disease. Therefore, it has been classified as a Variant of Uncertain Significance. Advanced modeling of protein sequence and biophysical properties (such as structural, functional, and spatial information, amino acid conservation, physicochemical variation, residue mobility, and thermodynamic stability) performed at Invitae indicates that this missense variant is not expected to disrupt SDHA protein function. This variant has not been reported in the literature in individuals with SDHA-related conditions. This variant is not present in population databases (ExAC no frequency). This sequence change replaces arginine with lysine at codon 120 of the SDHA protein (p.Arg120Lys). The arginine residue is highly conserved and there is a small physicochemical difference between arginine and lysine.